The following is an entry in ClinVar:

NM_022168.4(IFIH1):c.1592A>G (p.Gln531Arg)

Gene: IFIH1 (interferon induced with helicase C domain 1; minus strand). Cytogenetic location: 2q24.2.
Variant type: single nucleotide variant.
Coding change: c.1592A>G on transcript NM_022168.4 (MANE Select); coding-DNA position 1592, A replaced by G.
Protein change: p.Gln531Arg; replaces glutamine 531 with arginine.
Molecular consequence: missense variant.
Genome position (GRCh38, 1-based): chr2:162,280,045, T>C on the plus strand (A>G on the coding strand, the complement: IFIH1 is on the minus strand). VCF-style: chr2-162280045-T-C. GRCh37 (hg19) VCF-style: chr2-163136555-T-C.
Other names: c.1592A>G (NM_022168.3); short protein forms Q531R.
Identifiers: ClinVar variation 1721579 (VCV001721579.6), dbSNP rs2468962623, ClinGen allele CA349001054.

ClinVar aggregate classification (germline): Uncertain significance. Review status: criteria provided, multiple submitters, no conflicts (2 of 4 stars). 2 submissions from 2 submitters: Uncertain significance (2). Last evaluated 2025-05-21.

Conditions:
Aicardi-Goutieres syndrome 7 (AGS7). Identifiers: Orphanet 51, MedGen C3888244, MONDO:0014367, OMIM 615846.
Singleton-Merten syndrome 1 (SGMRT1). Also called: Widened medullary cavities of bone, aortic calcification, abnormal dentition, and muscular weakness; Syndrome of widened medullary cavities of the metacarpals and phalanges, aortic calcification and abnormal dentition. Identifiers: Orphanet 85191, MedGen C4225427, MONDO:0024535, OMIM 182250.

Submissions (2):

GeneDx
Classification: Uncertain significance. Last evaluated: 2025-05-21. Review status: criteria provided, single submitter. Criteria: GeneDx Variant Classification Process June 2021. Collection method: clinical testing. Allele origin: germline. Affected: yes.
Comment: Not observed at significant frequency in large population cohorts (gnomAD); In silico analysis suggests that this missense variant does not alter protein structure/function; Has not been previously published as pathogenic or benign to our knowledge

Labcorp Genetics (formerly Invitae), Labcorp
Classification: Uncertain significance for Aicardi-Goutieres syndrome 7; Singleton-Merten syndrome 1. Last evaluated: 2022-10-21. Review status: criteria provided, single submitter. Criteria: Invitae Variant Classification Sherloc (09022015). Collection method: clinical testing. Allele origin: germline.
Comment: This sequence change replaces glutamine, which is neutral and polar, with arginine, which is basic and polar, at codon 531 of the IFIH1 protein (p.Gln531Arg). This variant is not present in population databases (gnomAD no frequency). This variant has not been reported in the literature in individuals affected with IFIH1-related conditions. Algorithms developed to predict the effect of missense changes on protein structure and function (SIFT, PolyPhen-2, Align-GVGD) all suggest that this variant is likely to be tolerated. In summary, the available evidence is currently insufficient to determine the role of this variant in disease. Therefore, it has been classified as a Variant of Uncertain Significance.